The following is an entry in ClinVar:

ClinVar aggregate classification (germline): Uncertain significance (1 of 4 stars; one submission).

Conditions:
Malignant hyperthermia, susceptibility to, 5 (MHS5). Also called: CACNA1S-Related Malignant Hyperthermia Susceptibility. Identifiers: Orphanet 423, MedGen C1866077, MONDO:0011163, OMIM 601887.
Hypokalemic periodic paralysis, type 1. Also called: HypoPP; Hypokalemic Periodic Paralysis Type 1 (AD). Identifiers: Orphanet 681, MedGen C3714580, MONDO:0042979, OMIM 170400.

Submission:

Labcorp Genetics (formerly Invitae), Labcorp
Classification: Uncertain significance for Hypokalemic periodic paralysis, type 1; Malignant hyperthermia, susceptibility to, 5. Last evaluated: 2021-12-28. Review status: criteria provided, single submitter. Criteria: Invitae Variant Classification Sherloc (09022015). Collection method: clinical testing. Allele origin: germline.
Comment: In summary, the available evidence is currently insufficient to determine the role of this variant in disease. Therefore, it has been classified as a Variant of Uncertain Significance. Advanced modeling of protein sequence and biophysical properties (such as structural, functional, and spatial information, amino acid conservation, physicochemical variation, residue mobility, and thermodynamic stability) performed at Invitae indicates that this missense variant is not expected to disrupt CACNA1S protein function. This variant has not been reported in the literature in individuals affected with CACNA1S-related conditions. This variant is not present in population databases (gnomAD no frequency). This sequence change replaces lysine, which is basic and polar, with asparagine, which is neutral and polar, at codon 1550 of the CACNA1S protein (p.Lys1550Asn).

NM_000069.3(CACNA1S):c.4650G>C (p.Lys1550Asn)

Gene: CACNA1S (calcium voltage-gated channel subunit alpha1 S; minus strand). Cytogenetic location: 1q32.1.
Variant type: single nucleotide variant.
Coding change: c.4650G>C on transcript NM_000069.3 (MANE Select); coding-DNA position 4650, G replaced by C.
Protein change: p.Lys1550Asn; replaces lysine 1550 with asparagine.
Molecular consequence: missense variant.
Genome position (GRCh38, 1-based): chr1:201,047,133, C>G on the plus strand (G>C on the coding strand, the complement: CACNA1S is on the minus strand). VCF-style: chr1-201047133-C-G. GRCh37 (hg19) VCF-style: chr1-201016261-C-G.
Other names: short protein forms K1550N.
Identifiers: ClinVar variation 2064060 (VCV002064060.4), dbSNP rs1413666626, ClinGen allele CA344141668.